The following is an entry in ClinVar:

NM_003085.5(SNCB):c.372+9G>A

Gene: SNCB (synuclein beta; minus strand). Cytogenetic location: 5q35.2.
Variant type: single nucleotide variant.
Coding change: c.372+9G>A on transcript NM_003085.5 (MANE Select); 9 bases into the intron after coding-DNA position 372, G replaced by A.
Molecular consequence: intron variant.
Genome position (GRCh38, 1-based): chr5:176,621,205, C>T on the plus strand (G>A on the coding strand, the complement: SNCB is on the minus strand). VCF-style: chr5-176621205-C-T. GRCh37 (hg19) VCF-style: chr5-176048206-C-T.
Other names: c.330+9G>A (NM_001318036.2, NM_001318034.2); c.283-362G>A (NM_001318037.2, NM_001318035.2); c.372+9G>A (NM_001363140.2, NM_001001502.3).
Identifiers: ClinVar variation 3050307 (VCV003050307.2), dbSNP rs377254074, ClinGen allele CA3572169.

ClinVar aggregate classification (germline): Likely benign (0 of 4 stars; one submission).

Conditions:
SNCB-related disorder. Also called: SNCB-related condition.

Allele frequency attached by ClinVar (database versions not stated): ESP Exome Variant Server 0.00008; gnomAD exomes 0.00009; gnomAD 0.00011; TOPMed 0.00011; ExAC 0.00013.
gnomAD v4.1: 144 of 1,605,836 alleles (0.009%); highest among the groups gnomAD compares: Non-Finnish European, 0.012%; no homozygotes.

Submission:

PreventionGenetics, part of Exact Sciences
Classification: Likely benign for SNCB-related condition. Last evaluated: 2024-09-10. Review status: no assertion criteria provided. Collection method: clinical testing. Allele origin: germline.
Comment: This variant is classified as likely benign based on ACMG/AMP sequence variant interpretation guidelines (Richards et al. 2015 PMID: 25741868, with internal and published modifications).